The following is an entry in ClinVar:

NM_007294.4(BRCA1):c.5468-9T>G

Gene: BRCA1 (BRCA1 DNA repair associated; minus strand). Cytogenetic location: 17q21.31.
Variant type: single nucleotide variant.
Coding change: c.5468-9T>G on transcript NM_007294.4 (MANE Select); 9 bases into the intron before coding-DNA position 5468, T replaced by G.
Molecular consequence: intron variant.
Genome position (GRCh38, 1-based): chr17:43,045,811, A>C on the plus strand (T>G on the coding strand, the complement: BRCA1 is on the minus strand). VCF-style: chr17-43045811-A-C. GRCh37 (hg19) VCF-style: chr17-41197828-A-C.
Other names: c.2082-9T>G (NM_001408472.1, NM_007299.4); c.2156-9T>G (NM_001407990.1, NM_001407991.1, NM_001407984.1 and 10 more transcripts); c.2159-9T>G (NM_001407974.1, NM_001407973.1, NM_001407975.1 and 3 more transcripts); c.2861-9T>G (NM_001407969.1); c.2864-9T>G (NM_001407968.1); c.5462-9T>G (NM_001407640.1, NM_001407631.1, NM_001407638.1 and 13 more transcripts); c.5465-9T>G (NM_001407626.1, NM_001407617.1, NM_001407622.1 and 14 more transcripts); c.5390-9T>G (NM_001407652.1, NM_001407653.1, NM_001407655.1 and 1 more transcripts); and 83 more.
Identifiers: ClinVar variation 867562 (VCV000867562.5), dbSNP rs2050891633, ClinGen allele CA916080716.

ClinVar aggregate classification (germline): Uncertain significance (1 of 4 stars; one submission).

Conditions:
Hereditary cancer-predisposing syndrome. Also called: Neoplastic Syndromes, Hereditary; Tumor predisposition; Hereditary Cancer Syndrome; Hereditary neoplastic syndrome. Identifiers: Orphanet 140162, MedGen C0027672, MeSH D009386, MONDO:0015356.

Allele frequency attached by ClinVar (database versions not stated): gnomAD exomes below 0.00001.
gnomAD v4.1: 1 of 1,614,154 alleles (0.000062%); highest among the groups gnomAD compares: South Asian, 0.0011%; no homozygotes.

Submissions (2):

Color Diagnostics, LLC DBA Color Health
Classification: Uncertain significance for Hereditary cancer-predisposing syndrome. Last evaluated: 2023-03-06. Review status: criteria provided, single submitter. Criteria: ACMG Guidelines, 2015. Collection method: clinical testing. Allele origin: germline.
Comment: This variant causes a T to G nucleotide substitution at the -9 position of intron 22 of the BRCA1 gene. This variant has been reported to result in the partial loss of BRCA1 protein function in a haploid cell proliferation assay (PMID: 30209399). This variant has not been reported in individuals affected with BRCA1-related disorders in the literature. This variant has not been identified in the general population by the Genome Aggregation Database (gnomAD). The available evidence is insufficient to determine the role of this variant in disease conclusively. Therefore, this variant is classified as a Variant of Uncertain Significance.

Brotman Baty Institute, University of Washington
No classification provided (evidence only). Condition: Breast-ovarian cancer, familial 1. Review status: no classification provided. Collection method: in vitro. Allele origin: not applicable. Functional consequence: function_uncertain_variant. Not counted in ClinVar's aggregate classification.
ClinVar note: "not provided" was previously submitted as the classification for the variant. However, the classification appeared to be based only on an observation of functional data so it was converted to no classification on 2025-07-30.

Literature cited by the submitters: PubMed 30209399 (cited by Color Diagnostics, LLC DBA Color Health).